The following is an entry in ClinVar:

ClinVar aggregate classification (germline): Uncertain significance (1 of 4 stars; one submission).

Allele frequency attached by ClinVar (database versions not stated): TOPMed below 0.00001.

Submission:

GeneDx
Classification: Uncertain significance. Last evaluated: 2021-04-08. Review status: criteria provided, single submitter. Criteria: GeneDx Variant Classification Process June 2021. Collection method: clinical testing. Allele origin: germline. Affected: yes.
Comment: Not observed in large population cohorts (Lek et al., 2016); In silico analysis supports that this missense variant does not alter protein structure/function; Has not been previously published as pathogenic or benign to our knowledge

NM_005677.4(COLQ):c.128A>G (p.Lys43Arg)

Gene: COLQ (collagen like tail subunit of asymmetric acetylcholinesterase; minus strand). Cytogenetic location: 3p25.1.
Variant type: single nucleotide variant.
Coding change: c.128A>G on transcript NM_005677.4 (MANE Select); coding-DNA position 128, A replaced by G.
Protein change: p.Lys43Arg; replaces lysine 43 with arginine.
Molecular consequence: missense variant.
Genome position (GRCh38, 1-based): chr3:15,489,616, T>C on the plus strand (A>G on the coding strand, the complement: COLQ is on the minus strand). VCF-style: chr3-15489616-T-C. GRCh37 (hg19) VCF-style: chr3-15531123-T-C.
Other names: c.98A>G, p.Lys33Arg (NM_080538.2); c.128A>G, p.Lys43Arg (NM_080539.4); short protein forms K33R, K43R.
Identifiers: ClinVar variation 1314524 (VCV001314524.2), dbSNP rs1357463626, ClinGen allele CA351601622.